The following is an entry in ClinVar:

ClinVar aggregate classification (germline): Uncertain significance. Review status: criteria provided, multiple submitters, no conflicts (2 of 4 stars). 3 submissions from 3 submitters: Uncertain significance (3). Last evaluated 2025-10-21.

Conditions:
Hereditary cancer-predisposing syndrome. Also called: Neoplastic Syndromes, Hereditary; Tumor predisposition; Hereditary Cancer Syndrome; Hereditary neoplastic syndrome. Identifiers: Orphanet 140162, MedGen C0027672, MeSH D009386, MONDO:0015356.
Familial adenomatous polyposis 1 (FAP1). Also called: FAMILIAL ADENOMATOUS POLYPOSIS 1, ATTENUATED; POLYPOSIS, ADENOMATOUS INTESTINAL. Identifiers: MedGen C2713442, MONDO:0021056, OMIM 175100. Disease mechanism: loss of function.

gnomAD v4.1: 5 of 1,613,972 alleles (0.00031%); highest among the groups gnomAD compares: Non-Finnish European, 0.00042%; no homozygotes.

Submissions (3):

Ambry Genetics
Classification: Uncertain significance for Hereditary cancer-predisposing syndrome. Last evaluated: 2025-10-21. Review status: criteria provided, single submitter. Criteria: Ambry Variant Classification Scheme 2023. Collection method: clinical testing. Allele origin: germline.
Comment: The p.V754I variant (also known as c.2260G>A), located in coding exon 15 of the APC gene, results from a G to A substitution at nucleotide position 2260. The valine at codon 754 is replaced by isoleucine, an amino acid with highly similar properties. This amino acid position is well conserved in available vertebrate species. In addition, in silico predictors for this gene do not accurately predict pathogenicity. Missense alterations in APC are not a common cause of disease (Spier I et al. Genet Med. 2024 Feb;26(2):100992). Based on the available evidence, the clinical significance of this variant remains unclear.

Labcorp Genetics (formerly Invitae), Labcorp
Classification: Uncertain significance for Familial adenomatous polyposis 1. Last evaluated: 2025-08-31. Review status: criteria provided, single submitter. Criteria: Invitae Variant Classification Sherloc (09022015). Collection method: clinical testing. Allele origin: germline.
Comment: This sequence change replaces valine, which is neutral and non-polar, with isoleucine, which is neutral and non-polar, at codon 754 of the APC protein (p.Val754Ile). This variant is present in population databases (no rsID available, gnomAD 0.0009%). This variant has not been reported in the literature in individuals affected with APC-related conditions. ClinVar contains an entry for this variant (Variation ID: 230625). Invitae Evidence Modeling of protein sequence and biophysical properties (such as structural, functional, and spatial information, amino acid conservation, physicochemical variation, residue mobility, and thermodynamic stability) indicates that this missense variant is not expected to disrupt APC protein function with a negative predictive value of 95%. In summary, the available evidence is currently insufficient to determine the role of this variant in disease. Therefore, it has been classified as a Variant of Uncertain Significance.

Sema4
Classification: Uncertain significance for Hereditary cancer-predisposing syndrome. Last evaluated: 2021-11-10. Review status: criteria provided, single submitter. Criteria: Sema4 Curation Guidelines. Collection method: curation. Allele origin: germline.
Comment: The APC c.2260G>A (p.V754I) variant has not been reported in the literature to our knowledge. It was observed in 1/112992 chromosomes of the Non-Finnish European subpopulation in the large and broad cohorts of the Genome Aggregation Database (PMID: 32461654). This variant has been reported in ClinVar (Variation ID 230625). Functional studies have not been performed, and in silico predictions of the variant's effect on protein function are inconclusive. The evidence is insufficient to meet ACMG/AMP criteria for classifying the variant as benign or pathogenic. Thus, the clinical significance of this variant is currently uncertain.

NM_000038.6(APC):c.2260G>A (p.Val754Ile)

Gene: APC (APC regulator of Wnt signaling pathway; plus strand). Cytogenetic location: 5q22.2.
Variant type: single nucleotide variant.
Coding change: c.2260G>A on transcript NM_000038.6 (MANE Select); coding-DNA position 2260, G replaced by A.
Protein change: p.Val754Ile; replaces valine 754 with isoleucine.
Molecular consequence: missense variant.
Genome position (GRCh38, 1-based): chr5:112,837,854, G>A. VCF-style: chr5-112837854-G-A. GRCh37 (hg19) VCF-style: chr5-112173551-G-A.
Other names: c.2260G>A, p.Val754Ile (NM_001127510.3, NM_001354895.2); c.2206G>A, p.Val736Ile (NM_001127511.3); c.2314G>A, p.Val772Ile (NM_001354896.2); c.2290G>A, p.Val764Ile (NM_001354897.2); c.2185G>A, p.Val729Ile (NM_001354898.2); c.2176G>A, p.Val726Ile (NM_001354899.2); c.2137G>A, p.Val713Ile (NM_001354900.2); c.2083G>A, p.Val695Ile (NM_001354901.2); and 5 more; short protein forms V736I, V754I, V729I, V628I, V653I, V713I, V471I, V695I.
Identifiers: ClinVar variation 230625 (VCV000230625.18), dbSNP rs764099150, ClinGen allele CA10578337.